The following is an entry in ClinVar:

ClinVar aggregate classification (germline): Uncertain significance (1 of 4 stars; one submission).

Allele frequency attached by ClinVar (database versions not stated): gnomAD exomes below 0.00001 and 0.00001; ExAC 0.00001; gnomAD 0.00002; TOPMed 0.00002.

Submission:

GeneDx
Classification: Uncertain significance. Last evaluated: 2021-04-13. Review status: criteria provided, single submitter. Criteria: GeneDx Variant Classification Process June 2021. Collection method: clinical testing. Allele origin: germline. Affected: yes.
Comment: In silico analysis supports that this missense variant has a deleterious effect on protein structure/function; Has not been previously published as pathogenic or benign to our knowledge

NM_005876.5(SPEG):c.3064C>T (p.Arg1022Cys)

Gene: SPEG (striated muscle enriched protein kinase; plus strand). Cytogenetic location: 2q35.
Variant type: single nucleotide variant.
Coding change: c.3064C>T on transcript NM_005876.5 (MANE Select); coding-DNA position 3064, C replaced by T.
Protein change: p.Arg1022Cys; replaces arginine 1022 with cysteine.
Molecular consequence: missense variant.
Genome position (GRCh38, 1-based): chr2:219,467,356, C>T. VCF-style: chr2-219467356-C-T. GRCh37 (hg19) VCF-style: chr2-220332078-C-T.
Other names: short protein forms R1022C.
Identifiers: ClinVar variation 1302764 (VCV001302764.2), dbSNP rs747641930, ClinGen allele CA2126053.